The following is an entry in ClinVar:

NM_004453.4(ETFDH):c.1636G>A (p.Val546Ile)

Gene: ETFDH (electron transfer flavoprotein dehydrogenase; plus strand). Cytogenetic location: 4q32.1.
Variant type: single nucleotide variant.
Coding change: c.1636G>A on transcript NM_004453.4 (MANE Select); coding-DNA position 1636, G replaced by A.
Protein change: p.Val546Ile; replaces valine 546 with isoleucine.
Molecular consequence: missense variant.
Genome position (GRCh38, 1-based): chr4:158,706,796, G>A. VCF-style: chr4-158706796-G-A. GRCh37 (hg19) VCF-style: chr4-159627948-G-A.
Other names: c.1636G>A (NM_004453.3); c.1495G>A, p.Val499Ile (NM_001281737.2); c.1453G>A, p.Val485Ile (NM_001281738.1); short protein forms V499I, V485I, V546I.
Identifiers: ClinVar variation 3690995 (VCV003690995.3).

ClinVar aggregate classification (germline): Uncertain significance. Review status: criteria provided, single submitter (1 of 4 stars). 2 submissions from 2 submitters: Uncertain significance (1). 1 of the submissions does not count toward it. Last evaluated 2024-10-18.

Conditions:
Multiple acyl-CoA dehydrogenase deficiency (MADD). Also called: ETHYLMALONIC-ADIPICACIDURIA; GA II; Glutaric aciduria, type 2; Glutaric acidemia type II; GA 2; Glutaric Acidemia type 2. Identifiers: Orphanet 26791, MedGen C0268596, MONDO:0009282, OMIM 231680.
Glutaric acidemia type 2C.

gnomAD v4.1: 1 of 1,613,968 alleles (0.000062%); highest among the groups gnomAD compares: Non-Finnish European, 0.000085%; no homozygotes.

Submissions (2):

Labcorp Genetics (formerly Invitae), Labcorp
Classification: Uncertain significance for Multiple acyl-CoA dehydrogenase deficiency. Last evaluated: 2024-10-18. Review status: criteria provided, single submitter. Criteria: Invitae Variant Classification Sherloc (09022015). Collection method: clinical testing. Allele origin: germline.
Comment: This sequence change replaces valine, which is neutral and non-polar, with isoleucine, which is neutral and non-polar, at codon 546 of the ETFDH protein (p.Val546Ile). This variant is not present in population databases (gnomAD no frequency). This variant has not been reported in the literature in individuals affected with ETFDH-related conditions. Invitae Evidence Modeling of protein sequence and biophysical properties (such as structural, functional, and spatial information, amino acid conservation, physicochemical variation, residue mobility, and thermodynamic stability) indicates that this missense variant is not expected to disrupt ETFDH protein function with a negative predictive value of 80%. In summary, the available evidence is currently insufficient to determine the role of this variant in disease. Therefore, it has been classified as a Variant of Uncertain Significance.

Natera, Inc.
Classification: Uncertain significance for Glutaric acidemia type 2C. Last evaluated: 2025-04-10. Review status: no assertion criteria provided. Collection method: clinical testing. Allele origin: germline. Not counted in ClinVar's aggregate classification.